The following is an entry in ClinVar:

NM_000553.6(WRN):c.1228C>T (p.Gln410Ter)

Gene: WRN (WRN RecQ like helicase; plus strand). Cytogenetic location: 8p12.
Variant type: single nucleotide variant.
Coding change: c.1228C>T on transcript NM_000553.6 (MANE Select); coding-DNA position 1228, C replaced by T.
Protein change: p.Gln410Ter; replaces glutamine 410 with a stop codon.
Molecular consequence: nonsense.
Genome position (GRCh38, 1-based): chr8:31,081,255, C>T. VCF-style: chr8-31081255-C-T. GRCh37 (hg19) VCF-style: chr8-30938771-C-T.
Other names: short protein forms Q410*.
Identifiers: ClinVar variation 1069486 (VCV001069486.5), dbSNP rs1563339055, ClinGen allele CA370921363.

ClinVar aggregate classification (germline): Pathogenic (1 of 4 stars; one submission).

Conditions:
Werner syndrome (WRN). Identifiers: Orphanet 902, MedGen C0043119, MONDO:0010196, OMIM 277700.

Allele frequency attached by ClinVar (database versions not stated): gnomAD exomes below 0.00001.
gnomAD v4.1: 1 of 1,613,144 alleles (0.000062%); highest among the groups gnomAD compares: Non-Finnish European, 0.000085%; no homozygotes.

Submission:

Labcorp Genetics (formerly Invitae), Labcorp
Classification: Pathogenic for Werner syndrome. Last evaluated: 2023-02-11. Review status: criteria provided, single submitter. Criteria: Invitae Variant Classification Sherloc (09022015). Collection method: clinical testing. Allele origin: germline.
Comment: For these reasons, this variant has been classified as Pathogenic. ClinVar contains an entry for this variant (Variation ID: 1069486). This variant has not been reported in the literature in individuals affected with WRN-related conditions. This variant is present in population databases (no rsID available, gnomAD 0.0009%). This sequence change creates a premature translational stop signal (p.Gln410*) in the WRN gene. It is expected to result in an absent or disrupted protein product. Loss-of-function variants in WRN are known to be pathogenic (PMID: 16673358).

Literature cited by the submitters: PubMed 16673358.